The following is an entry in ClinVar:

NM_182706.5(SCRIB):c.3066C>T (p.Ser1022=)

Gene: SCRIB (scribble planar cell polarity protein; minus strand). Cytogenetic location: 8q24.3.
Variant type: single nucleotide variant.
Coding change: c.3066C>T on transcript NM_182706.5 (MANE Select); coding-DNA position 3066, C replaced by T.
Protein change: p.Ser1022=; no amino-acid change (serine 1022 retained).
Molecular consequence: synonymous variant.
Genome position (GRCh38, 1-based): chr8:143,804,100, G>A on the plus strand (C>T on the coding strand, the complement: SCRIB is on the minus strand). VCF-style: chr8-143804100-G-A. GRCh37 (hg19) VCF-style: chr8-144886270-G-A.
Other names: c.3066C>T, p.Ser1022= (NM_015356.5).
Identifiers: ClinVar variation 3048664 (VCV003048664.2), dbSNP rs565642007, ClinGen allele CA4918868.

ClinVar aggregate classification (germline): Likely benign (0 of 4 stars; one submission).

Conditions:
SCRIB-related disorder. Also called: SCRIB-related condition.

Allele frequency attached by ClinVar (database versions not stated): gnomAD 0.00002; TOPMed 0.00002; ExAC 0.00008.
gnomAD v4.1: 52 of 1,612,760 alleles (0.0032%); highest among the groups gnomAD compares: South Asian, 0.015%; no homozygotes.

Submission:

PreventionGenetics, part of Exact Sciences
Classification: Likely benign for SCRIB-related condition. Last evaluated: 2019-12-04. Review status: no assertion criteria provided. Collection method: clinical testing. Allele origin: germline.
Comment: This variant is classified as likely benign based on ACMG/AMP sequence variant interpretation guidelines (Richards et al. 2015 PMID: 25741868, with internal and published modifications).